The following is an entry in ClinVar:

ClinVar aggregate classification (germline): Uncertain significance (1 of 4 stars; one submission).

Conditions:
Long QT syndrome (LQTS). Identifiers: MedGen C0023976, MeSH D008133, MONDO:0002442. Disease mechanism: loss of function. Inheritance: Various modes of inheritance.

Allele frequency attached by ClinVar (database versions not stated): TOPMed 0.00002.

Submission:

Labcorp Genetics (formerly Invitae), Labcorp
Classification: Uncertain significance for Long QT syndrome. Last evaluated: 2021-06-22. Review status: criteria provided, single submitter. Criteria: Invitae Variant Classification Sherloc (09022015). Collection method: clinical testing. Allele origin: germline.
Comment: This sequence change replaces arginine with leucine at codon 394 of the SNTA1 protein (p.Arg394Leu). The arginine residue is moderately conserved and there is a moderate physicochemical difference between arginine and leucine. This variant is not present in population databases (ExAC no frequency). This variant has not been reported in the literature in individuals with SNTA1-related conditions. Algorithms developed to predict the effect of missense changes on protein structure and function are either unavailable or do not agree on the potential impact of this missense change (SIFT: "Deleterious"; PolyPhen-2: "Probably Damaging"; Align-GVGD: "Class C0"). In summary, the available evidence is currently insufficient to determine the role of this variant in disease. Therefore, it has been classified as a Variant of Uncertain Significance.

NM_003098.3(SNTA1):c.1181G>T (p.Arg394Leu)

Gene: SNTA1 (syntrophin alpha 1; minus strand). Cytogenetic location: 20q11.21.
Variant type: single nucleotide variant.
Coding change: c.1181G>T on transcript NM_003098.3 (MANE Select); coding-DNA position 1181, G replaced by T.
Protein change: p.Arg394Leu; replaces arginine 394 with leucine.
Molecular consequence: missense variant.
Genome position (GRCh38, 1-based): chr20:33,410,191, C>A on the plus strand (G>T on the coding strand, the complement: SNTA1 is on the minus strand). VCF-style: chr20-33410191-C-A. GRCh37 (hg19) VCF-style: chr20-31997997-C-A.
Other names: short protein forms R394L.
Identifiers: ClinVar variation 1402439 (VCV001402439.8), dbSNP rs750278583, ClinGen allele CA313252060.